The following is an entry in ClinVar:

ClinVar aggregate classification (germline): Uncertain significance (1 of 4 stars; one submission).

Submission:

Women's Health and Genetics/Laboratory Corporation of America, LabCorp
Classification: Uncertain significance. Last evaluated: 2026-04-07. Review status: criteria provided, single submitter. Criteria: LabCorp Variant Classification Summary - May 2015. Collection method: clinical testing. Allele origin: germline.
Comment: Variant summary: HADH c.89T>A (p.Val30Glu) results in a non-conservative amino acid change in the encoded protein sequence. Algorithms developed to predict the effect of missense changes on protein structure and function all suggest that this variant is likely to be disruptive. The frequency data for this variant in gnomAD is considered unreliable, as metrics indicate poor data quality at this position. c.89T>A has been observed in compound heterozygous state in individuals affected with Familial Hyperinsulinism (Fan_2015, Ni_2019, Cheng_2024). These data indicate that the variant may be associated with disease. To our knowledge, no experimental evidence demonstrating an impact on protein function has been reported. The following publications have been ascertained in the context of this evaluation (PMID: 40302972, 26740944, 31218401). No submitters have cited clinical-significance assessments for this variant to ClinVar. Based on the evidence outlined above, the variant was classified as VUS-possibly pathogenic.

Literature cited by the submitters: PubMed 26740944; PubMed 31218401; PubMed 40302972.

NM_005327.7(HADH):c.89T>A (p.Val30Glu)

Gene: HADH (hydroxyacyl-CoA dehydrogenase; plus strand). Cytogenetic location: 4q25.
Variant type: single nucleotide variant.
Coding change: c.89T>A on transcript NM_005327.7 (MANE Select); coding-DNA position 89, T replaced by A.
Protein change: p.Val30Glu; replaces valine 30 with glutamic acid.
Molecular consequence: missense variant.
Genome position (GRCh38, 1-based): chr4:107,990,021, T>A. VCF-style: chr4-107990021-T-A. GRCh37 (hg19) VCF-style: chr4-108911177-T-A.
Other names: c.89T>A, p.Val30Glu (NM_001184705.4); short protein forms V30E.
Identifiers: ClinVar variation 4848839 (VCV004848839.1).